The following is an entry in ClinVar:

ClinVar aggregate classification (germline): Likely benign. Review status: criteria provided, single submitter (1 of 4 stars). 2 submissions from 2 submitters: Likely benign (1). 1 of the submissions does not count toward it. Last evaluated 2023-03-01.

Conditions:
LENG8-related disorder. Also called: LENG8-related condition.

Allele frequency attached by ClinVar (database versions not stated): 1000 Genomes Project 30x 0.00016; 1000 Genomes Project 0.00020; ESP Exome Variant Server 0.00039; ExAC 0.00078.
gnomAD v4.1: 763 of 1,610,740 alleles (0.047%); highest among the groups gnomAD compares: South Asian, 0.3%; 2 homozygotes.

Submissions (2):

CeGaT Center for Human Genetics Tuebingen
Classification: Likely benign. Last evaluated: 2023-03-01. Review status: criteria provided, single submitter. Criteria: CeGaT Center For Human Genetics Tuebingen Variant Classification Criteria Version 2. Collection method: clinical testing. Allele origin: germline. Affected: yes. Observed: 1 variant allele.
Comment: LENG8: BP4, BP7

PreventionGenetics, part of Exact Sciences
Classification: Likely benign for LENG8-related condition. Last evaluated: 2019-09-10. Review status: no assertion criteria provided. Collection method: clinical testing. Allele origin: germline. Not counted in ClinVar's aggregate classification.
Comment: This variant is classified as likely benign based on ACMG/AMP sequence variant interpretation guidelines (Richards et al. 2015 PMID: 25741868, with internal and published modifications).

NM_052925.4(LENG8):c.1458G>A (p.Ala486=)

Gene: LENG8 (leukocyte receptor cluster member 8; plus strand). Cytogenetic location: 19q13.42.
Variant type: single nucleotide variant.
Coding change: c.1458G>A on transcript NM_052925.4 (MANE Select); coding-DNA position 1458, G replaced by A.
Protein change: p.Ala486=; no amino-acid change (alanine 486 retained).
Molecular consequence: synonymous variant.
Genome position (GRCh38, 1-based): chr19:54,456,648, G>A. VCF-style: chr19-54456648-G-A. GRCh37 (hg19) VCF-style: chr19-54967827-G-A.
Other names: c.1458G>A (NM_052925.3); c.1458G>A, p.Ala486= (NM_001375638.1, NM_001375640.1, NM_001375641.1); c.1404G>A, p.Ala468= (NM_001375639.1); c.1347G>A, p.Ala449= (NM_001411063.1).
Identifiers: ClinVar variation 2650450 (VCV002650450.25), dbSNP rs377636837, ClinGen allele CA309659240.